The following is an entry in ClinVar:

ClinVar aggregate classification (germline): Uncertain significance (1 of 4 stars; one submission).

gnomAD v4.1: 3 of 1,613,440 alleles (0.00019%); highest among the groups gnomAD compares: African/African-American, 0.004%; no homozygotes.

Submission:

Labcorp Genetics (formerly Invitae), Labcorp
Classification: Uncertain significance. Last evaluated: 2025-10-06. Review status: criteria provided, single submitter. Criteria: Invitae Variant Classification Sherloc (09022015). Collection method: clinical testing. Allele origin: germline.
Comment: This sequence change replaces alanine, which is neutral and non-polar, with valine, which is neutral and non-polar, at codon 88 of the MYLK3 protein (p.Ala88Val). This variant is present in population databases (no rsID available, gnomAD 0.008%). This variant has not been reported in the literature in individuals affected with MYLK3-related conditions. ClinVar contains an entry for this variant (Variation ID: 1946960). An algorithm developed to predict the effect of missense changes on protein structure and function outputs the following: PolyPhen-2: "Benign". The valine amino acid residue is found in multiple mammalian species, which suggests that this missense change does not adversely affect protein function. In summary, the available evidence is currently insufficient to determine the role of this variant in disease. Therefore, it has been classified as a Variant of Uncertain Significance.

NM_182493.3(MYLK3):c.263C>T (p.Ala88Val)

Gene: MYLK3 (myosin light chain kinase 3; minus strand). Cytogenetic location: 16q11.2.
Variant type: single nucleotide variant.
Coding change: c.263C>T on transcript NM_182493.3 (MANE Select); coding-DNA position 263, C replaced by T.
Protein change: p.Ala88Val; replaces alanine 88 with valine.
Molecular consequence: missense variant. On other transcripts: intron variant (1).
Genome position (GRCh38, 1-based): chr16:46,747,931, G>A on the plus strand (C>T on the coding strand, the complement: MYLK3 is on the minus strand). VCF-style: chr16-46747931-G-A. GRCh37 (hg19) VCF-style: chr16-46781843-G-A.
Other names: c.-113-7784C>T (NM_001308301.1); short protein forms A88V.
Identifiers: ClinVar variation 1946960 (VCV001946960.5), dbSNP rs1316393679, ClinGen allele CA395798105.
Genomic context (GRCh38, chr16:46,747,931, plus strand): 5'-CCGTGCTGGGCCGCATCCTGCTGCATGGCCCTCACCAGCTCCAGGACCTCGGGCCACCCA[G>A]CCTGGGTGTCAATGTGGGGAACCCCATCAGCCCCGCCCGGGCCCGGTGCCCGGGAGGCCT-3'
Protein context (NP_872299.2, residues 78-98): ADGVPHIDTQ[Ala88Val]GWPEVLELVR